The following is an entry in ClinVar:

NM_022114.4(PRDM16):c.1032+6C>T

Gene: PRDM16 (PR/SET domain 16; plus strand). Cytogenetic location: 1p36.32.
Variant type: single nucleotide variant.
Coding change: c.1032+6C>T on transcript NM_022114.4 (MANE Select); 6 bases into the intron after coding-DNA position 1032, C replaced by T.
Molecular consequence: intron variant.
Genome position (GRCh38, 1-based): chr1:3,404,892, C>T. VCF-style: chr1-3404892-C-T. GRCh37 (hg19) VCF-style: chr1-3321456-C-T.
Other names: c.1032+6C>T (NM_199454.3).
Identifiers: ClinVar variation 3643841 (VCV003643841.2).

ClinVar aggregate classification (germline): Uncertain significance (1 of 4 stars; one submission).

Conditions:
Left ventricular noncompaction 8 (LVNC8). Identifiers: Orphanet 154, Orphanet 54260, MedGen C3809288, MONDO:0014152, OMIM 615373.

gnomAD v4.1: 5 of 1,612,268 alleles (0.00031%); highest among the groups gnomAD compares: South Asian, 0.0033%; no homozygotes.

Submission:

Labcorp Genetics (formerly Invitae), Labcorp
Classification: Uncertain significance for Left ventricular noncompaction 8. Last evaluated: 2024-10-16. Review status: criteria provided, single submitter. Criteria: Invitae Variant Classification Sherloc (09022015). Collection method: clinical testing. Allele origin: germline.
Comment: This sequence change falls in intron 7 of the PRDM16 gene. It does not directly change the encoded amino acid sequence of the PRDM16 protein. It affects a nucleotide within the consensus splice site. This variant is present in population databases (rs760680871, gnomAD 0.005%). This variant has not been reported in the literature in individuals affected with PRDM16-related conditions. Variants that disrupt the consensus splice site are a relatively common cause of aberrant splicing (PMID: 17576681, 9536098). Algorithms developed to predict the effect of sequence changes on RNA splicing suggest that this variant is not likely to affect RNA splicing. In summary, the available evidence is currently insufficient to determine the role of this variant in disease. Therefore, it has been classified as a Variant of Uncertain Significance.

Literature cited by the submitters: PubMed 17576681; PubMed 9536098.